The following is an entry in ClinVar:

ClinVar aggregate classification (germline): Likely benign (0 of 4 stars; one submission).

Conditions:
PIK3C2B-related disorder. Also called: PIK3C2B-related condition.

gnomAD v4.1: 5 of 1,613,578 alleles (0.00031%); highest among the groups gnomAD compares: African/African-American, 0.0013%; no homozygotes.

Submission:

PreventionGenetics, part of Exact Sciences
Classification: Likely benign for PIK3C2B-related condition. Last evaluated: 2024-09-25. Review status: no assertion criteria provided. Collection method: clinical testing. Allele origin: germline.
Comment: This variant is classified as likely benign based on ACMG/AMP sequence variant interpretation guidelines (Richards et al. 2015 PMID: 25741868, with internal and published modifications).

NM_001377334.1(PIK3C2B):c.1377A>G (p.Leu459=)

Gene: PIK3C2B (phosphatidylinositol-4-phosphate 3-kinase catalytic subunit type 2 beta; minus strand). Cytogenetic location: 1q32.1.
Variant type: single nucleotide variant.
Coding change: c.1377A>G on transcript NM_001377334.1 (MANE Select); coding-DNA position 1377, A replaced by G.
Protein change: p.Leu459=; no amino-acid change (leucine 459 retained).
Molecular consequence: synonymous variant.
Genome position (GRCh38, 1-based): chr1:204,460,595, T>C on the plus strand (A>G on the coding strand, the complement: PIK3C2B is on the minus strand). VCF-style: chr1-204460595-T-C. GRCh37 (hg19) VCF-style: chr1-204429723-T-C.
Other names: c.1377A>G, p.Leu459= (NM_001377335.1, NM_002646.4).
Identifiers: ClinVar variation 3357946 (VCV003357946.1).